The following is an entry in ClinVar:

NM_144687.4(NLRP12):c.1021A>T (p.Thr341Ser)

Gene: NLRP12 (NLR family pyrin domain containing 12; minus strand). Cytogenetic location: 19q13.42.
Variant type: single nucleotide variant.
Coding change: c.1021A>T on transcript NM_144687.4 (MANE Select); coding-DNA position 1021, A replaced by T.
Protein change: p.Thr341Ser; replaces threonine 341 with serine.
Molecular consequence: missense variant.
Genome position (GRCh38, 1-based): chr19:53,810,638, T>A on the plus strand (A>T on the coding strand, the complement: NLRP12 is on the minus strand). VCF-style: chr19-53810638-T-A. GRCh37 (hg19) VCF-style: chr19-54313892-T-A.
Other names: c.1021A>T, p.Thr341Ser (NM_001277126.2, NM_001277129.1); short protein forms T341S.
Identifiers: ClinVar variation 3664060 (VCV003664060.2).
Genomic context (GRCh38, chr19:53,810,638, plus strand): 5'-CCACATGCCTGGGGTGCTCCAGCAGACGGTGGAGCTTCTCCAAAGCCGTGGGCCGTGTGG[T>A]GATGAGCAAAGATAGCTCAGGGAGCAGCTTCTTCCGAATTAAGCTGTTAAGAAGCAGCTC-3'
Protein context (NP_653288.1, residues 331-351): KLLPELSLLI[Thr341Ser]TRPTALEKLH

ClinVar aggregate classification (germline): Uncertain significance (1 of 4 stars; one submission).

Conditions:
Familial cold autoinflammatory syndrome 2 (FCAS2). Identifiers: Orphanet 247868, MedGen C2673198, MONDO:0012724, OMIM 611762.

Submission:

Labcorp Genetics (formerly Invitae), Labcorp
Classification: Uncertain significance for Familial cold autoinflammatory syndrome 2. Last evaluated: 2024-09-06. Review status: criteria provided, single submitter. Criteria: Invitae Variant Classification Sherloc (09022015). Collection method: clinical testing. Allele origin: germline.
Comment: This sequence change replaces threonine, which is neutral and polar, with serine, which is neutral and polar, at codon 341 of the NLRP12 protein (p.Thr341Ser). This variant is not present in population databases (gnomAD no frequency). This variant has not been reported in the literature in individuals affected with NLRP12-related conditions. Invitae Evidence Modeling of protein sequence and biophysical properties (such as structural, functional, and spatial information, amino acid conservation, physicochemical variation, residue mobility, and thermodynamic stability) indicates that this missense variant is expected to disrupt NLRP12 protein function with a positive predictive value of 80%. In summary, the available evidence is currently insufficient to determine the role of this variant in disease. Therefore, it has been classified as a Variant of Uncertain Significance.